The following is an entry in ClinVar:

ClinVar aggregate classification (germline): Likely pathogenic (1 of 4 stars; one submission).

Conditions:
Neurodevelopmental disorder. Identifiers: MedGen C1535926, MeSH D065886, MONDO:0700092.

Submission:

Laboratory of Molecular Genetics (Pr. Bezieau's lab), CHU de Nantes
Classification: Likely pathogenic for Neurodevelopmental disorder. Last evaluated: 2026-05-27. Review status: criteria provided, single submitter. Criteria: ACMG Guidelines, 2015. Collection method: clinical testing. Allele origin: de novo. Inheritance: Autosomal dominant inheritance. Affected: yes. Observed: 1 variant allele.
Comment: ACMG criteria : PS2, PM2, PM4, PP3 (Likely pathogenic).

NM_006196.4(PCBP1):c.952_963del (p.Pro318_Gly321del)

Genes: PCBP1 (poly(rC) binding protein 1; plus strand), LOC106783504 (conserved acetylation island sequence C15 enhancer; plus strand). Cytogenetic location: 2p13.3.
Variant type: Deletion.
Coding change: c.952_963del on transcript NM_006196.4 (MANE Select); coding-DNA positions 952 to 963, 12 bases deleted (CCAGTGGAAGGC).
Protein change: p.Pro318_Gly321del.
Molecular consequence: inframe deletion.
Genome position (GRCh38, 1-based): chr2:70,088,695-70,088,706, CCAGTGGAAGGC deleted; deleting any 12 consecutive bases within chr2:70,088,694-70,088,706 gives the same sequence; the c. name uses the placement nearest the transcript's 3' end. VCF-style (leftmost placement, unchanged base first): chr2-70088693-ACCCAGTGGAAGG-A. GRCh37 (hg19) VCF-style: chr2-70315825-ACCCAGTGGAAGG-A.
Identifiers: ClinVar variation 4852567 (VCV004852567.1).